The following is an entry in ClinVar:

NM_000368.5(TSC1):c.2924T>G (p.Leu975Arg)

Gene: TSC1 (TSC complex subunit 1; minus strand). Cytogenetic location: 9q34.13.
Variant type: single nucleotide variant.
Coding change: c.2924T>G on transcript NM_000368.5 (MANE Select); coding-DNA position 2924, T replaced by G.
Protein change: p.Leu975Arg; replaces leucine 975 with arginine.
Molecular consequence: missense variant. On other transcripts: non-coding transcript variant (5).
Genome position (GRCh38, 1-based): chr9:132,897,235, A>C on the plus strand (T>G on the coding strand, the complement: TSC1 is on the minus strand). VCF-style: chr9-132897235-A-C. GRCh37 (hg19) VCF-style: chr9-135772622-A-C.
Other names: c.2921T>G, p.Leu974Arg (NM_001162426.2, NM_001406600.1, NM_001406597.1 and 2 more transcripts); c.2909T>G, p.Leu970Arg (NM_001406601.1, NM_001406602.1); c.2906T>G, p.Leu969Arg (NM_001406603.1, NM_001406604.1); c.2882T>G, p.Leu961Arg (NM_001406605.1, NM_001406606.1, NM_001406607.1); c.2879T>G, p.Leu960Arg (NM_001406608.1, NM_001406609.1); c.2561T>G, p.Leu854Arg (NM_001406619.1, NM_001362177.2, NM_001406614.1 and 4 more transcripts); c.2558T>G, p.Leu853Arg (NM_001406620.1, NM_001406621.1, NM_001406622.1 and 1 more transcripts); c.2519T>G, p.Leu840Arg (NM_001406624.1); and 8 more; short protein forms L657R, L658R, L839R, L840R, L853R, L854R, L923R, L924R.
Identifiers: ClinVar variation 5031257 (VCV005031257.1).

ClinVar aggregate classification (germline): Uncertain significance (1 of 4 stars; one submission).

Conditions:
Hereditary cancer-predisposing syndrome. Also called: Neoplastic Syndromes, Hereditary; Tumor predisposition; Hereditary neoplastic syndrome; Hereditary Cancer Syndrome. Identifiers: Orphanet 140162, MedGen C0027672, MeSH D009386, MONDO:0015356.

Submission:

Ambry Genetics
Classification: Uncertain significance for Hereditary cancer-predisposing syndrome. Last evaluated: 2026-08-16. Review status: criteria provided, single submitter. Criteria: Ambry Variant Classification Scheme 2023. Collection method: clinical testing. Allele origin: germline.
Comment: The p.L975R variant (also known as c.2924T>G), located in coding exon 20 of the TSC1 gene, results from a T to G substitution at nucleotide position 2924. The leucine at codon 975 is replaced by arginine, an amino acid with dissimilar properties. This amino acid position is conserved. In addition, the in silico prediction for this alteration is inconclusive. Based on the available evidence, the clinical significance of this variant remains unclear.